The following is an entry in ClinVar:

NM_001369.3(DNAH5):c.13364del (p.Gly4455fs)

Gene: DNAH5 (dynein axonemal heavy chain 5; minus strand). Cytogenetic location: 5p15.2.
Variant type: Deletion.
Coding change: c.13364del on transcript NM_001369.3 (MANE Select); coding-DNA position 13364, one base deleted (G; older notation c.13364delG).
Protein change: p.Gly4455fs; shifts the reading frame from glycine 4455.
Molecular consequence: frameshift variant.
Genome position (GRCh38, 1-based): chr5:13,701,411, C deleted on the plus strand (G on the coding strand, the reverse complement: DNAH5 is on the minus strand); the first of 3 consecutive C bases (chr5:13,701,411-13,701,413); deleting any one gives the same sequence. VCF-style (leftmost placement, unchanged base first): chr5-13701410-AC-A. GRCh37 (hg19) VCF-style: chr5-13701519-AC-A.
Other names: short protein forms G4455fs.
Identifiers: ClinVar variation 1725834 (VCV001725834.2), dbSNP rs2546469607, ClinGen allele CA2580071992.

ClinVar aggregate classification (germline): Likely pathogenic (1 of 4 stars; one submission).

Conditions:
Primary ciliary dyskinesia 3. Identifiers: Orphanet 244, MedGen C1837618, MONDO:0012085, OMIM 608644.

Submission:

Myriad Genetics, Inc.
Classification: Likely pathogenic for Primary ciliary dyskinesia 3. Last evaluated: 2022-04-02. Review status: criteria provided, single submitter. Criteria: Myriad Women's Health Autosomal Recessive and X-Linked Classification Criteria (2021). Collection method: clinical testing. Allele origin: unknown.
Comment: NM_001369.2(DNAH5):c.13364delG(G4455Vfs*8) is expected to be pathogenic in the context of DNAH5-related primary ciliary dyskinesia. This variant is predicted to lead to an abnormal or absent protein product due to the creation of a premature termination codon in DNAH5, a gene where loss-of-function variants are known to be pathogenic. Please note: this variant was assessed in the context of healthy population screening.